The following is an entry in ClinVar:

ClinVar aggregate classification (germline): Uncertain significance (1 of 4 stars; one submission).

Conditions:
Inborn genetic diseases. Identifiers: MedGen C0950123, MeSH D030342.

gnomAD v4.1: 4 of 1,613,722 alleles (0.00025%); highest among the groups gnomAD compares: South Asian, 0.0033%; no homozygotes.

Submission:

Ambry Genetics
Classification: Uncertain significance for Inborn genetic diseases. Last evaluated: 2018-10-20. Review status: criteria provided, single submitter. Criteria: Ambry Variant Classification Scheme 2023. Collection method: clinical testing. Allele origin: germline.
Comment: The c.1095+5C>G intronic variant results from a C to G substitution 5 nucleotides after coding exon 10 in the NSUN2 gene. This nucleotide position is not well conserved in available vertebrate species. Using the BDGP and ESEfinder splice site prediction tools, this alteration is not predicted to have any significant effect on this splice donor site; however, direct evidence is unavailable. Since supporting evidence is limited at this time, the clinical significance of this alteration remains unclear.

NM_017755.6(NSUN2):c.1095+5C>G

Gene: NSUN2 (NOP2/Sun RNA methyltransferase 2; minus strand). Cytogenetic location: 5p15.31.
Variant type: single nucleotide variant.
Coding change: c.1095+5C>G on transcript NM_017755.6 (MANE Select); 5 bases into the intron after coding-DNA position 1095, C replaced by G.
Molecular consequence: intron variant.
Genome position (GRCh38, 1-based): chr5:6,611,720, G>C on the plus strand (C>G on the coding strand, the complement: NSUN2 is on the minus strand). VCF-style: chr5-6611720-G-C. GRCh37 (hg19) VCF-style: chr5-6611833-G-C.
Other names: c.990+5C>G (NM_001193455.2).
Identifiers: ClinVar variation 1790257 (VCV001790257.2), dbSNP rs760196564, ClinGen allele CA3192563.
Genomic context (GRCh38, chr5:6,611,720, plus strand): 5'-ACTTGACTCTACTTCAGTGATGCTGCACCTACTCTTTAGAATGAAAGTTCTCGAGGAAAG[G>C]TTACCTTCCACTGTGTGATTCCAGGCATCCACTTCAGCCCTGGCAGTTCATTAGACACAT-3'